The following is an entry in ClinVar:

NM_021975.4(RELA):c.776A>T (p.Asp259Val)

Gene: RELA (RELA proto-oncogene, NF-kB subunit; minus strand). Cytogenetic location: 11q13.1.
Variant type: single nucleotide variant.
Coding change: c.776A>T on transcript NM_021975.4 (MANE Select); coding-DNA position 776, A replaced by T.
Protein change: p.Asp259Val; replaces aspartic acid 259 with valine.
Molecular consequence: missense variant. On other transcripts: intron variant (2).
Genome position (GRCh38, 1-based): chr11:65,658,388, T>A on the plus strand (A>T on the coding strand, the complement: RELA is on the minus strand). VCF-style: chr11-65658388-T-A. GRCh37 (hg19) VCF-style: chr11-65425859-T-A.
Other names: c.767A>T, p.Asp256Val (NM_001145138.2); c.776A>T, p.Asp259Val (NM_001243984.2, NM_001243985.2); c.809A>T, p.Asp270Val (NM_001404657.1); c.749A>T, p.Asp250Val (NM_001404658.1); c.395A>T, p.Asp132Val (NM_001404661.1); c.683A>T, p.Asp228Val (NM_001404662.1, NM_001404663.1); c.559+1278A>T (NM_001404660.1); c.664+330A>T (NM_001404659.1); short protein forms D132V, D228V, D250V, D256V, D259V, D270V.
Identifiers: ClinVar variation 2993898 (VCV002993898.3), dbSNP rs745468574, ClinGen allele CA381390916.

ClinVar aggregate classification (germline): Uncertain significance (1 of 4 stars; one submission).

gnomAD v4.1: 2 of 1,613,674 alleles (0.00012%); highest among the groups gnomAD compares: Non-Finnish European, 0.00017%; no homozygotes.

Submission:

Labcorp Genetics (formerly Invitae), Labcorp
Classification: Uncertain significance. Last evaluated: 2023-11-07. Review status: criteria provided, single submitter. Criteria: Invitae Variant Classification Sherloc (09022015). Collection method: clinical testing. Allele origin: germline.
Comment: This sequence change replaces aspartic acid, which is acidic and polar, with valine, which is neutral and non-polar, at codon 259 of the RELA protein (p.Asp259Val). This variant is not present in population databases (gnomAD no frequency). This variant has not been reported in the literature in individuals affected with RELA-related conditions. An algorithm developed to predict the effect of missense changes on protein structure and function (PolyPhen-2) suggests that this variant is likely to be tolerated. In summary, the available evidence is currently insufficient to determine the role of this variant in disease. Therefore, it has been classified as a Variant of Uncertain Significance.